The following is an entry in ClinVar:

NM_001282225.2(ADA2):c.272A>G (p.His91Arg)

Gene: ADA2 (adenosine deaminase 2; minus strand). Cytogenetic location: 22q11.1.
Variant type: single nucleotide variant.
Coding change: c.272A>G on transcript NM_001282225.2 (MANE Select); coding-DNA position 272, A replaced by G.
Protein change: p.His91Arg; replaces histidine 91 with arginine.
Molecular consequence: missense variant. On other transcripts: intron variant (1).
Genome position (GRCh38, 1-based): chr22:17,209,406, T>C on the plus strand (A>G on the coding strand, the complement: ADA2 is on the minus strand). VCF-style: chr22-17209406-T-C. GRCh37 (hg19) VCF-style: chr22-17690296-T-C.
Other names: c.272A>G, p.His91Arg (NM_001282226.2); c.146A>G, p.His49Arg (NM_001282227.2, NM_001282228.2); c.-38-2116A>G (NM_001282229.2); short protein forms H49R, H91R.
Identifiers: ClinVar variation 1024845 (VCV001024845.17), dbSNP rs149466386, ClinGen allele CA10088290.

ClinVar aggregate classification (germline): Conflicting classifications of pathogenicity. Review status: criteria provided, conflicting classifications (1 of 4 stars). 3 submissions from 3 submitters: Uncertain significance (2); Likely benign (1). Last evaluated 2026-05-01.

Conditions:
Deficiency of adenosine deaminase 2. Also called: VASCULITIS, AUTOINFLAMMATION, IMMUNODEFICIENCY, AND HEMATOLOGIC DEFECTS SYNDROME; Polyarteritis nodosa, childhoood-onset; Adenosine Deaminase 2 Deficiency. Identifiers: Orphanet 404553, MedGen C3887654, MONDO:0014306, OMIM 615688, MONDO:0100317.
Autoinflammatory syndrome. Identifiers: Orphanet 93665, MedGen C3890737, MONDO:0019751.

Allele frequency attached by ClinVar (database versions not stated): gnomAD 0.00004; TOPMed 0.00005; gnomAD exomes 0.00006; ExAC 0.00007; ESP Exome Variant Server 0.00008.
gnomAD v4.1: 93 of 1,614,028 alleles (0.0058%); highest among the groups gnomAD compares: Non-Finnish European, 0.0069%; 2 homozygotes.

Submissions (3):

CeGaT Center for Human Genetics Tuebingen
Classification: Likely benign. Last evaluated: 2026-05-01. Review status: criteria provided, single submitter. Criteria: CeGaT Center For Human Genetics Tuebingen Variant Classification Criteria Version 2. Collection method: clinical testing. Allele origin: germline. Affected: yes. Observed: 2 variant alleles.
Comment: ADA2: BP4

Labcorp Genetics (formerly Invitae), Labcorp
Classification: Uncertain significance for Deficiency of adenosine deaminase 2. Last evaluated: 2026-01-27. Review status: criteria provided, single submitter. Criteria: Invitae Variant Classification Sherloc (09022015). Collection method: clinical testing. Allele origin: germline.
Comment: This sequence change replaces histidine, which is basic and polar, with arginine, which is basic and polar, at codon 91 of the ADA2 protein (p.His91Arg). This variant is present in population databases (rs149466386, gnomAD 0.008%). This variant has not been reported in the literature in individuals affected with ADA2-related conditions. ClinVar contains an entry for this variant (Variation ID: 1024845). Invitae Evidence Modeling of protein sequence and biophysical properties (such as structural, functional, and spatial information, amino acid conservation, physicochemical variation, residue mobility, and thermodynamic stability) indicates that this missense variant is not expected to disrupt ADA2 protein function with a negative predictive value of 95%. In summary, the available evidence is currently insufficient to determine the role of this variant in disease. Therefore, it has been classified as a Variant of Uncertain Significance.

Genome Diagnostics Laboratory, The Hospital for Sick Children
Classification: Uncertain significance for Autoinflammatory syndrome. Last evaluated: 2019-10-01. Review status: criteria provided, single submitter. Criteria: ACMG Guidelines, 2015. Collection method: clinical testing. Allele origin: germline. Affected: yes.